The following is an entry in ClinVar:

ClinVar aggregate classification (germline): Likely benign (1 of 4 stars; one submission).

Allele frequency attached by ClinVar (database versions not stated): 1000 Genomes Project 30x 0.00094; 1000 Genomes Project 0.00100; TOPMed 0.00209; gnomAD 0.00220; ESP Exome Variant Server 0.00246; ExAC 0.00256; gnomAD exomes 0.00318.
gnomAD v4.1: 5,000 of 1,613,938 alleles (0.31%); highest among the groups gnomAD compares: Non-Finnish European, 0.38%; 13 homozygotes.

Submission:

CeGaT Center for Human Genetics Tuebingen
Classification: Likely benign. Last evaluated: 2026-08-01. Review status: criteria provided, single submitter. Criteria: CeGaT Center For Human Genetics Tuebingen Variant Classification Criteria Version 2. Collection method: clinical testing. Allele origin: germline. Affected: yes. Observed: 4 variant alleles.
Comment: ENSG00000285082: BP4, BS2; TLR4: BP4, BS2

NM_138554.5(TLR4):c.137A>G (p.Tyr46Cys)

Gene: TLR4 (toll like receptor 4; plus strand). Cytogenetic location: 9q33.1.
Variant type: single nucleotide variant.
Coding change: c.137A>G on transcript NM_138554.5 (MANE Select); coding-DNA position 137, A replaced by G.
Protein change: p.Tyr46Cys; replaces tyrosine 46 with cysteine.
Molecular consequence: missense variant. On other transcripts: intron variant (1).
Genome position (GRCh38, 1-based): chr9:117,708,606, A>G. VCF-style: chr9-117708606-A-G. GRCh37 (hg19) VCF-style: chr9-120470884-A-G.
Other names: c.17A>G, p.Tyr6Cys (NM_003266.4); c.-340-3783A>G (NM_138557.3); short protein forms Y46C, Y6C.
Identifiers: ClinVar variation 3250546 (VCV003250546.18), dbSNP rs78848399.